The following is an entry in ClinVar:

NM_000545.8(HNF1A):c.748C>G (p.Gln250Glu)

Gene: HNF1A (HNF1 homeobox A; plus strand). Cytogenetic location: 12q24.31.
Variant type: single nucleotide variant.
Coding change: c.748C>G on transcript NM_000545.8 (MANE Select); coding-DNA position 748, C replaced by G.
Protein change: p.Gln250Glu; replaces glutamine 250 with glutamic acid.
Molecular consequence: missense variant.
Genome position (GRCh38, 1-based): chr12:120,994,198, C>G. VCF-style: chr12-120994198-C-G. GRCh37 (hg19) VCF-style: chr12-121432001-C-G.
Other names: c.748C>G, p.Gln250Glu (NM_001306179.2); short protein forms Q250E.
Identifiers: ClinVar variation 1492025 (VCV001492025.8), dbSNP rs1308016430, ClinGen allele CA386965915.

ClinVar aggregate classification (germline): Likely pathogenic (1 of 4 stars; one submission).

Submission:

Labcorp Genetics (formerly Invitae), Labcorp
Classification: Likely pathogenic. Last evaluated: 2024-11-04. Review status: criteria provided, single submitter. Criteria: Invitae Variant Classification Sherloc (09022015). Collection method: clinical testing. Allele origin: germline.
Comment: This sequence change replaces glutamine, which is neutral and polar, with glutamic acid, which is acidic and polar, at codon 250 of the HNF1A protein (p.Gln250Glu). This variant is not present in population databases (gnomAD no frequency). This missense change has been observed in individuals with clinical features of maturity-onset diabetes of the young (internal data). It has also been observed to segregate with disease in related individuals. ClinVar contains an entry for this variant (Variation ID: 1492025). Invitae Evidence Modeling of protein sequence and biophysical properties (such as structural, functional, and spatial information, amino acid conservation, physicochemical variation, residue mobility, and thermodynamic stability) indicates that this missense variant is not expected to disrupt HNF1A protein function with a negative predictive value of 80%. In summary, the currently available evidence indicates that the variant is pathogenic, but additional data are needed to prove that conclusively. Therefore, this variant has been classified as Likely Pathogenic.